The following is an entry in ClinVar:

NM_000257.4(MYH7):c.346-17T>C

Gene: MYH7 (myosin heavy chain 7; minus strand). Cytogenetic location: 14q11.2.
Variant type: single nucleotide variant.
Coding change: c.346-17T>C on transcript NM_000257.4 (MANE Select); 17 bases into the intron before coding-DNA position 346, T replaced by C.
Molecular consequence: intron variant.
Genome position (GRCh38, 1-based): chr14:23,432,812, A>G on the plus strand (T>C on the coding strand, the complement: MYH7 is on the minus strand). VCF-style: chr14-23432812-A-G. GRCh37 (hg19) VCF-style: chr14-23902021-A-G.
Other names: c.346-17T>C (LRG_384t1).
Identifiers: ClinVar variation 383302 (VCV000383302.4), dbSNP rs887808676, ClinGen allele CA16606960.

ClinVar aggregate classification (germline): Likely benign. Review status: criteria provided, multiple submitters, no conflicts (2 of 4 stars). 2 submissions from 2 submitters: Likely benign (2). Last evaluated 2024-05-08.

Conditions:
Hypertrophic cardiomyopathy. Also called: HYPERTROPHIC MYOCARDIOPATHY. Identifiers: Orphanet 217569, MedGen C0007194, MeSH D002312, MONDO:0005045, HP:0001639.

Allele frequency attached by ClinVar (database versions not stated): gnomAD exomes below 0.00001; TOPMed 0.00001.
gnomAD v4.1: 3 of 1,614,072 alleles (0.00019%); highest among the groups gnomAD compares: African/African-American, 0.004%; no homozygotes.

Submissions (2):

Labcorp Genetics (formerly Invitae), Labcorp
Classification: Likely benign for Hypertrophic cardiomyopathy. Last evaluated: 2024-05-08. Review status: criteria provided, single submitter. Criteria: Invitae Variant Classification Sherloc (09022015). Collection method: clinical testing. Allele origin: germline.

GeneDx
Classification: Likely benign. Last evaluated: 2016-01-28. Review status: criteria provided, single submitter. Criteria: GeneDx Variant Classification (06012015). Collection method: clinical testing. Allele origin: germline. Affected: yes.
Comment: This variant is considered likely benign or benign based on one or more of the following criteria: it is a conservative change, it occurs at a poorly conserved position in the protein, it is predicted to be benign by multiple in silico algorithms, and/or has population frequency not consistent with disease.